The following is an entry in ClinVar:

ClinVar aggregate classification (germline): Uncertain significance (1 of 4 stars; one submission).

Conditions:
Epidermolysis bullosa simplex 5B, with muscular dystrophy (EBS5B). Also called: Epidermolysis bullosa simplex with muscular dystrophy; EPIDERMOLYSIS BULLOSA SIMPLEX AND LIMB-GIRDLE MUSCULAR DYSTROPHY. Identifiers: Orphanet 257, MedGen C2931072, MONDO:0009181, OMIM 226670.
Epidermolysis bullosa simplex, Ogna type (EBS5A). Also called: Pidermolysis bullosa simplex 5A, Ogna type; EPIDERMOLYSIS BULLOSA SIMPLEX 5A, OGNA TYPE. Identifiers: Orphanet 79401, MedGen C0432317, MONDO:0007555, OMIM 131950.
Epidermolysis bullosa simplex with nail dystrophy (EBS5D). Identifiers: MedGen C4225309, MONDO:0014661, OMIM 616487.
Epidermolysis bullosa simplex 5C, with pyloric atresia (EBS5C). Also called: PLEC1-Related Epidermolysis Bullosa with Pyloric Atresia; PLEC-Related Epidermolysis Bullosa with Pyloric Atresia; Epidermolysis bullosa simplex with pyloric atresia. Identifiers: Orphanet 158684, MedGen C2677349, MONDO:0012807, OMIM 612138.
Autosomal recessive limb-girdle muscular dystrophy type 2Q (LGMDR17). Also called: MUSCULAR DYSTROPHY, LIMB-GIRDLE, AUTOSOMAL RECESSIVE 17. Identifiers: Orphanet 254361, MedGen C3150989, MONDO:0013390, OMIM 613723.

Submission:

Labcorp Genetics (formerly Invitae), Labcorp
Classification: Uncertain significance for Autosomal recessive limb-girdle muscular dystrophy type 2Q; Epidermolysis bullosa simplex, Ogna type; Epidermolysis bullosa simplex with nail dystrophy; Epidermolysis bullosa simplex 5C, with pyloric atresia; Epidermolysis bullosa simplex 5B, with muscular dystrophy. Last evaluated: 2025-04-29. Review status: criteria provided, single submitter. Criteria: Invitae Variant Classification Sherloc (09022015). Collection method: clinical testing. Allele origin: germline.
Comment: This variant, c.4875_4877del, results in the deletion of 1 amino acid(s) of the PLEC protein (p.Glu1626del), but otherwise preserves the integrity of the reading frame. This variant is not present in population databases (gnomAD no frequency). This variant has not been reported in the literature in individuals affected with PLEC-related conditions. Experimental studies and prediction algorithms are not available or were not evaluated, and the functional significance of this variant is currently unknown. In summary, the available evidence is currently insufficient to determine the role of this variant in disease. Therefore, it has been classified as a Variant of Uncertain Significance.

NM_201384.3(PLEC):c.4791GGA[1] (p.Glu1599del)

Gene: PLEC (plectin; minus strand). Cytogenetic location: 8q24.3.
Variant type: Microsatellite.
Coding change: c.4791GGA[1] on transcript NM_201384.3 (MANE Select); one copy of the 3-base unit GGA starting at c.4791; the reference has two copies in a row; one copy, 3 bases deleted.
Protein change: p.Glu1599del; deletes glutamic acid 1599.
Molecular consequence: inframe deletion.
Genome position (GRCh38, 1-based): chr8:143,925,133-143,925,135, TCC deleted on the plus strand (GGA on the coding strand, the reverse complement: PLEC is on the minus strand); deleting any 3 consecutive bases within chr8:143,925,133-143,925,139 gives the same sequence; the position shown is the placement nearest the transcript's 3' end. VCF-style (leftmost placement, unchanged base first): chr8-143925132-TTCC-T. GRCh37 (hg19) VCF-style: chr8-144999300-TTCC-T.
Other names: c.4872GGA[1], p.Glu1626del (NM_000445.5); c.4749GGA[1], p.Glu1585del (NM_201378.4); c.4725GGA[1], p.Glu1577del (NM_201379.3); c.5202GGA[1], p.Glu1736del (NM_201380.4); c.4695GGA[1], p.Glu1567del (NM_201381.3); c.4791GGA[1], p.Glu1599del (NM_201382.4); c.4803GGA[1], p.Glu1603del (NM_201383.3); short protein forms E1626del, E1585del, E1567del, E1577del, E1736del, E1599del, E1603del.
Identifiers: ClinVar variation 1953058 (VCV001953058.5), dbSNP rs1824537663, ClinGen allele CA1826045136.